The following is an entry in ClinVar:

NM_006759.4(UGP2):c.582G>A (p.Pro194=)

Gene: UGP2 (UDP-glucose pyrophosphorylase 2; plus strand). Cytogenetic location: 2p15.
Variant type: single nucleotide variant.
Coding change: c.582G>A on transcript NM_006759.4 (MANE Select); coding-DNA position 582, G replaced by A.
Protein change: p.Pro194=; no amino-acid change (proline 194 retained).
Molecular consequence: synonymous variant.
Genome position (GRCh38, 1-based): chr2:63,885,595, G>A. VCF-style: chr2-63885595-G-A. GRCh37 (hg19) VCF-style: chr2-64112729-G-A.
Other names: NC_000002.11:g.64112729G>A; c.549G>A, p.Pro183= (NM_001001521.2, NM_001377524.1, NM_001377525.1); c.222G>A, p.Pro74= (NM_001377526.1, NM_001377527.1, NM_001377528.1 and 1 more transcripts).
Identifiers: ClinVar variation 4515473 (VCV004515473.7).

ClinVar aggregate classification (germline): Likely benign (1 of 4 stars; one submission).

gnomAD v4.1: 64 of 1,538,538 alleles (0.0042%); highest among the groups gnomAD compares: Non-Finnish European, 0.0054%; no homozygotes.

Submissions (2):

CeGaT Center for Human Genetics Tuebingen
Classification: Likely benign. Last evaluated: 2025-11-01. Review status: criteria provided, single submitter. Criteria: CeGaT Center For Human Genetics Tuebingen Variant Classification Criteria Version 2. Collection method: clinical testing. Allele origin: germline. Affected: yes. Observed: 1 variant allele.
Comment: UGP2: BP4, BP7

Dr. Peter K. Rogan Lab, Western University
No classification provided (evidence only). Condition: Ovarian serous cystadenocarcinoma. Review status: no classification provided. Collection method: in vitro. Allele origin: not applicable. Functional consequence: retained intron. Not counted in ClinVar's aggregate classification.